The following is an entry in ClinVar:

ClinVar aggregate classification (germline): Uncertain significance (1 of 4 stars; one submission).

Conditions:
FOXP4-related neurodevelopmental disorder.

Submission:

Clinical Genomics Laboratory, Washington University in St. Louis
Classification: Uncertain significance for FOXP4-related neurodevelopmental disorder. Last evaluated: 2025-09-03. Review status: criteria provided, single submitter. Criteria: ACMG Guidelines, 2015. Collection method: clinical testing. Allele origin: germline.
Comment: The FOXP4 c.886G>A (p.Glu296Lys) variant, to our knowledge, has not been reported in the medical literature. This variant is absent from the general population (gnomAD v2.1.1), indicating it is not a common variant. Computational predictors are uncertain as to the impact of this variant on FOXP4 function. Due to limited information, the clinical significance of this variant is uncertain.

NM_001012426.2(FOXP4):c.886G>A (p.Glu296Lys)

Gene: FOXP4 (forkhead box P4; plus strand). Cytogenetic location: 6p21.1.
Variant type: single nucleotide variant.
Coding change: c.886G>A on transcript NM_001012426.2 (MANE Select); coding-DNA position 886, G replaced by A.
Protein change: p.Glu296Lys; replaces glutamic acid 296 with lysine.
Molecular consequence: missense variant.
Genome position (GRCh38, 1-based): chr6:41,587,806, G>A. VCF-style: chr6-41587806-G-A. GRCh37 (hg19) VCF-style: chr6-41555544-G-A.
Other names: c.880G>A, p.Glu294Lys (NM_001012427.2); c.886G>A, p.Glu296Lys (NM_001405824.1); c.790G>A, p.Glu264Lys (NM_001405825.1, NM_001405826.1); c.883G>A, p.Glu295Lys (NM_138457.3); short protein forms E264K, E294K, E295K, E296K.
Identifiers: ClinVar variation 4279873 (VCV004279873.1).